The following is an entry in ClinVar:

NM_006016.6(CD164):c.362A>G (p.Asn121Ser)

Gene: CD164 (CD164 molecule; minus strand). Cytogenetic location: 6q21.
Variant type: single nucleotide variant.
Coding change: c.362A>G on transcript NM_006016.6 (MANE Select); coding-DNA position 362, A replaced by G.
Protein change: p.Asn121Ser; replaces asparagine 121 with serine.
Molecular consequence: missense variant. On other transcripts: intron variant (1).
Genome position (GRCh38, 1-based): chr6:109,376,082, T>C on the plus strand (A>G on the coding strand, the complement: CD164 is on the minus strand). VCF-style: chr6-109376082-T-C. GRCh37 (hg19) VCF-style: chr6-109697285-T-C.
Other names: c.362A>G (NM_006016.4, NM_006016.5); c.362A>G, p.Asn121Ser (NM_001142402.3, NM_001142403.3, NM_001142404.3); c.260A>G, p.Asn87Ser (NM_001346500.2); c.331+1818A>G (NM_001142401.3); short protein forms N87S, N121S.
Identifiers: ClinVar variation 2174800 (VCV002174800.6), dbSNP rs771601649, ClinGen allele CA3951568.

ClinVar aggregate classification (germline): Uncertain significance. Review status: criteria provided, multiple submitters, no conflicts (2 of 4 stars). 3 submissions from 3 submitters: Uncertain significance (3). Last evaluated 2026-01-30.

Conditions:
CD164-related disorder. Also called: CD164-related condition.

Allele frequency attached by ClinVar (database versions not stated): ExAC 0.00008; gnomAD 0.00009; TOPMed 0.00013.
gnomAD v4.1: 136 of 1,570,526 alleles (0.0087%); highest among the groups gnomAD compares: Admixed American, 0.031%; no homozygotes.

Submissions (3):

GeneDx
Classification: Uncertain significance. Last evaluated: 2026-01-30. Review status: criteria provided, single submitter. Criteria: GeneDx Variant Classification Process June 2021. Collection method: clinical testing. Allele origin: germline.
Comment: In silico analysis supports that this missense variant has a deleterious effect on protein structure/function; Has not been previously published as pathogenic or benign to our knowledge; Variants in candidate genes are classified as variants of uncertain significance in accordance with ACMG guidelines (PMID: 25741868)

PreventionGenetics, part of Exact Sciences
Classification: Uncertain significance for CD164-related condition. Last evaluated: 2026-01-04. Review status: criteria provided, single submitter. Criteria: ACMG Guidelines, 2015. Collection method: clinical testing. Allele origin: germline.
Comment: The CD164 c.362A>G variant is predicted to result in the amino acid substitution p.Asn121Ser. To our knowledge, this variant has not been reported in the literature. This variant is reported in 0.025% of alleles in individuals of Latino descent in gnomAD. Although we suspect that this variant may be benign, at this time, the clinical significance of this variant is uncertain due to the absence of conclusive functional and genetic evidence.

Labcorp Genetics (formerly Invitae), Labcorp
Classification: Uncertain significance. Last evaluated: 2025-10-21. Review status: criteria provided, single submitter. Criteria: Invitae Variant Classification Sherloc (09022015). Collection method: clinical testing. Allele origin: germline.
Comment: This sequence change replaces asparagine, which is neutral and polar, with serine, which is neutral and polar, at codon 121 of the CD164 protein (p.Asn121Ser). This variant is present in population databases (rs771601649, gnomAD 0.03%). This variant has not been reported in the literature in individuals affected with CD164-related conditions. ClinVar contains an entry for this variant (Variation ID: 2174800). An algorithm developed to predict the effect of missense changes on protein structure and function outputs the following: PolyPhen-2: "Probably Damaging". The serine amino acid residue is found in multiple mammalian species, which suggests that this missense change does not adversely affect protein function. In summary, the available evidence is currently insufficient to determine the role of this variant in disease. Therefore, it has been classified as a Variant of Uncertain Significance.